The following is an entry in ClinVar:

ClinVar aggregate classification (germline): Uncertain significance. Review status: criteria provided, multiple submitters, no conflicts (2 of 4 stars). 4 submissions from 4 submitters: Uncertain significance (4). Last evaluated 2025-06-24.

Allele frequency attached by ClinVar (database versions not stated): gnomAD 0.00004 and 0.00005; ExAC 0.00006; gnomAD exomes 0.00013.
gnomAD v4.1: 76 of 1,612,628 alleles (0.0047%); highest among the groups gnomAD compares: Admixed American, 0.0033%; no homozygotes.

Submissions (4):

GeneDx
Classification: Uncertain significance. Last evaluated: 2025-06-24. Review status: criteria provided, single submitter. Criteria: GeneDx Variant Classification Process June 2021. Collection method: clinical testing. Allele origin: germline. Affected: yes.
Comment: In silico analysis supports that this missense variant has a deleterious effect on protein structure/function; Has not been previously published as pathogenic or benign to our knowledge

Blueprint Genetics
Classification: Uncertain significance. Last evaluated: 2023-05-08. Review status: criteria provided, single submitter. Criteria: ACMG Guidelines, 2015. Collection method: clinical testing. Allele origin: germline.

CeGaT Center for Human Genetics Tuebingen
Classification: Uncertain significance. Last evaluated: 2023-01-01. Review status: criteria provided, single submitter. Criteria: CeGaT Center For Human Genetics Tuebingen Variant Classification Criteria Version 2. Collection method: clinical testing. Allele origin: germline. Affected: yes. Observed: 1 variant allele.
Comment: PNPT1: PM2, PP3

Labcorp Genetics (formerly Invitae), Labcorp
Classification: Uncertain significance. Last evaluated: 2021-08-31. Review status: criteria provided, single submitter. Criteria: Invitae Variant Classification Sherloc (09022015). Collection method: clinical testing. Allele origin: germline.
Comment: This sequence change replaces glycine with arginine at codon 491 of the PNPT1 protein (p.Gly491Arg). The glycine residue is highly conserved and there is a moderate physicochemical difference between glycine and arginine. This variant is present in population databases (rs772291464, ExAC 0.05%). This variant has not been reported in the literature in individuals affected with PNPT1-related conditions. Advanced modeling of protein sequence and biophysical properties (such as structural, functional, and spatial information, amino acid conservation, physicochemical variation, residue mobility, and thermodynamic stability) performed at Invitae indicates that this missense variant is expected to disrupt PNPT1 protein function. Algorithms developed to predict the effect of sequence changes on RNA splicing suggest that this variant may create or strengthen a splice site. In summary, the available evidence is currently insufficient to determine the role of this variant in disease. Therefore, it has been classified as a Variant of Uncertain Significance.

NM_033109.5(PNPT1):c.1471G>A (p.Gly491Arg)

Gene: PNPT1 (polyribonucleotide nucleotidyltransferase 1; minus strand). Cytogenetic location: 2p16.1.
Variant type: single nucleotide variant.
Coding change: c.1471G>A on transcript NM_033109.5 (MANE Select); coding-DNA position 1471, G replaced by A.
Protein change: p.Gly491Arg; replaces glycine 491 with arginine.
Molecular consequence: missense variant.
Genome position (GRCh38, 1-based): chr2:55,654,924, C>T on the plus strand (G>A on the coding strand, the complement: PNPT1 is on the minus strand). VCF-style: chr2-55654924-C-T. GRCh37 (hg19) VCF-style: chr2-55882059-C-T.
Other names: short protein forms G491R.
Identifiers: ClinVar variation 1331289 (VCV001331289.32), dbSNP rs772291464, ClinGen allele CA1668058.